The following is an entry in ClinVar:

NM_020937.4(FANCM):c.4360A>G (p.Lys1454Glu)

Gene: FANCM (FA complementation group M; plus strand). Cytogenetic location: 14q21.2.
Variant type: single nucleotide variant.
Coding change: c.4360A>G on transcript NM_020937.4 (MANE Select); coding-DNA position 4360, A replaced by G.
Protein change: p.Lys1454Glu; replaces lysine 1454 with glutamic acid.
Molecular consequence: missense variant.
Genome position (GRCh38, 1-based): chr14:45,181,679, A>G. VCF-style: chr14-45181679-A-G. GRCh37 (hg19) VCF-style: chr14-45650882-A-G.
Other names: c.4282A>G, p.Lys1428Glu (NM_001308133.2); short protein forms K1428E, K1454E.
Identifiers: ClinVar variation 2710270 (VCV002710270.3), dbSNP rs748259110, ClinGen allele CA389607343.

ClinVar aggregate classification (germline): Uncertain significance (1 of 4 stars; one submission).

Conditions:
Fanconi anemia (FA). Also called: Fanconi's anemia. Identifiers: Orphanet 84, MedGen C0015625, MeSH D005199, MONDO:0019391.

Submission:

Labcorp Genetics (formerly Invitae), Labcorp
Classification: Uncertain significance for Fanconi anemia. Last evaluated: 2024-01-19. Review status: criteria provided, single submitter. Criteria: Invitae Variant Classification Sherloc (09022015). Collection method: clinical testing. Allele origin: germline.
Comment: This sequence change replaces lysine, which is basic and polar, with glutamic acid, which is acidic and polar, at codon 1454 of the FANCM protein (p.Lys1454Glu). This variant is not present in population databases (gnomAD no frequency). This variant has not been reported in the literature in individuals affected with FANCM-related conditions. An algorithm developed to predict the effect of missense changes on protein structure and function (PolyPhen-2) suggests that this variant is likely to be disruptive. In summary, the available evidence is currently insufficient to determine the role of this variant in disease. Therefore, it has been classified as a Variant of Uncertain Significance.